The following is an entry in ClinVar:

NM_012154.5(AGO2):c.1937T>C (p.Val646Ala)

Gene: AGO2 (argonaute RISC catalytic component 2; minus strand). Cytogenetic location: 8q24.3.
Variant type: single nucleotide variant.
Coding change: c.1937T>C on transcript NM_012154.5 (MANE Select); coding-DNA position 1937, T replaced by C.
Protein change: p.Val646Ala; replaces valine 646 with alanine.
Molecular consequence: missense variant.
Genome position (GRCh38, 1-based): chr8:140,541,261, A>G on the plus strand (T>C on the coding strand, the complement: AGO2 is on the minus strand). VCF-style: chr8-140541261-A-G. GRCh37 (hg19) VCF-style: chr8-141551360-A-G.
Other names: c.1937T>C, p.Val646Ala (NM_001164623.3); short protein forms V646A.
Identifiers: ClinVar variation 3361575 (VCV003361575.1).

ClinVar aggregate classification (germline): Uncertain significance (1 of 4 stars; one submission).

Submission:

GeneDx
Classification: Uncertain significance. Last evaluated: 2023-08-03. Review status: criteria provided, single submitter. Criteria: GeneDx Variant Classification Process June 2021. Collection method: clinical testing. Allele origin: germline. Affected: yes.
Comment: Not observed at significant frequency in large population cohorts (gnomAD); In silico analysis supports that this missense variant has a deleterious effect on protein structure/function; Has not been previously published as pathogenic or benign to our knowledge